The following is an entry in ClinVar:

NM_152564.5(VPS13B):c.9982G>A (p.Val3328Ile)

Gene: VPS13B (vacuolar protein sorting 13 homolog B; plus strand). Cytogenetic location: 8q22.2.
Variant type: single nucleotide variant.
Coding change: c.9982G>A on transcript NM_152564.5 (MANE Select); coding-DNA position 9982, G replaced by A.
Protein change: p.Val3328Ile; replaces valine 3328 with isoleucine.
Molecular consequence: missense variant.
Genome position (GRCh38, 1-based): chr8:99,848,815, G>A. VCF-style: chr8-99848815-G-A. GRCh37 (hg19) VCF-style: chr8-100861043-G-A.
Other names: p.Val3353Ile; c.10057G>A (NM_017890.3); c.10057G>A, p.Val3353Ile (NM_017890.5); short protein forms V3353I, V3328I.
Identifiers: ClinVar variation 4541389 (VCV004541389.1).

ClinVar aggregate classification (germline): Conflicting classifications of pathogenicity. Review status: criteria provided, conflicting classifications (1 of 4 stars). 2 submissions from 2 submitters: Uncertain significance (1); Likely benign (1). Last evaluated 2025-12-17.

Conditions:
Inborn genetic diseases. Identifiers: MedGen C0950123, MeSH D030342.

gnomAD v4.1: 7 of 1,614,136 alleles (0.00043%); highest among the groups gnomAD compares: Non-Finnish European, 0.00051%; no homozygotes.

Submissions (2):

Mayo Clinic Laboratories, Mayo Clinic
Classification: Uncertain significance. Last evaluated: 2025-12-17. Review status: criteria provided, single submitter. Criteria: ACMG Guidelines, 2015. Collection method: clinical testing. Allele origin: germline. Observed: 1 variant allele.
Comment: BP4_moderate, PM2_supporting

Ambry Genetics
Classification: Likely benign for Inborn genetic diseases. Last evaluated: 2025-09-26. Review status: criteria provided, single submitter. Criteria: Ambry Variant Classification Scheme 2023. Collection method: clinical testing. Allele origin: germline.